The following is an entry in ClinVar:

ClinVar aggregate classification (germline): Uncertain significance. Review status: criteria provided, multiple submitters, no conflicts (2 of 4 stars). 3 submissions from 3 submitters: Uncertain significance (2). 1 of the submissions does not count toward it. Last evaluated 2024-12-30.

Conditions:
Hereditary spastic paraplegia 48. Also called: Spastic paraplegia 48; SPASTIC PARAPLEGIA 48, AUTOSOMAL RECESSIVE. Identifiers: Orphanet 306511, MedGen C3150901, MONDO:0013342, OMIM 613647.

Allele frequency attached by ClinVar (database versions not stated): TOPMed 0.00002; gnomAD exomes 0.00001; ExAC 0.00006.
gnomAD v4.1: 45 of 1,547,822 alleles (0.0029%); highest among the groups gnomAD compares: South Asian, 0.015%; no homozygotes.

Submissions (3):

Dasa
Classification: Uncertain significance. Last evaluated: 2024-12-30. Review status: criteria provided, single submitter. Criteria: DASA Assertion Criteria. Collection method: clinical testing. Allele origin: germline.
Comment: NM_014855.3(AP5Z1):c.616C>T (p.Arg206Trp) is a missense variant that results in the substitution of arginine with tryptophan. This variant is rare in population databases. Computational prediction algorithms are consistent with a benign effect. The currently available literature and clinical evidence are not sufficient to establish a definitive association between this variant and the reported condition. Therefore, this variant is classified as a variant of uncertain significance.

Labcorp Genetics (formerly Invitae), Labcorp
Classification: Uncertain significance for Hereditary spastic paraplegia 48. Last evaluated: 2024-02-17. Review status: criteria provided, single submitter. Criteria: Invitae Variant Classification Sherloc (09022015). Collection method: clinical testing. Allele origin: germline.
Comment: This sequence change replaces arginine, which is basic and polar, with tryptophan, which is neutral and slightly polar, at codon 206 of the AP5Z1 protein (p.Arg206Trp). The frequency data for this variant in the population databases is considered unreliable, as metrics indicate poor data quality at this position in the gnomAD database. This missense change has been observed in individual(s) with hereditary spastic paraplegia (PMID: 24833714). ClinVar contains an entry for this variant (Variation ID: 375315). Advanced modeling of protein sequence and biophysical properties (such as structural, functional, and spatial information, amino acid conservation, physicochemical variation, residue mobility, and thermodynamic stability) performed at Invitae indicates that this missense variant is not expected to disrupt AP5Z1 protein function with a negative predictive value of 80%. In summary, the available evidence is currently insufficient to determine the role of this variant in disease. Therefore, it has been classified as a Variant of Uncertain Significance.

OMIM
Classification: Pathogenic for SPASTIC PARAPLEGIA 48, AUTOSOMAL RECESSIVE. Last evaluated: 2017-01-26. Review status: no assertion criteria provided. Collection method: literature only. Allele origin: germline. Not counted in ClinVar's aggregate classification.

Literature cited by the submitters: PubMed 24833714 (cited by Labcorp Genetics (formerly Invitae), Labcorp and OMIM).

NM_014855.3(AP5Z1):c.616C>T (p.Arg206Trp)

Gene: AP5Z1 (adaptor related protein complex 5 subunit zeta 1; plus strand). Cytogenetic location: 7p22.1.
Variant type: single nucleotide variant.
Coding change: c.616C>T on transcript NM_014855.3 (MANE Select); coding-DNA position 616, C replaced by T.
Protein change: p.Arg206Trp; replaces arginine 206 with tryptophan.
Molecular consequence: missense variant. On other transcripts: non-coding transcript variant (1).
Genome position (GRCh38, 1-based): chr7:4,783,793, C>T. VCF-style: chr7-4783793-C-T. GRCh37 (hg19) VCF-style: chr7-4823424-C-T.
Other names: c.616C>T, p.Arg206Trp (LRG_1247t1); c.148C>T, p.Arg50Trp (NM_001364858.1); short protein forms R206W, R50W.
Identifiers: ClinVar variation 375315 (VCV000375315.10), dbSNP rs761451474, ClinGen allele CA4137275.